The following is an entry in ClinVar:

NM_016239.4(MYO15A):c.6735A>G (p.Glu2245=)

Gene: MYO15A (myosin XVA; plus strand). Cytogenetic location: 17p11.2.
Variant type: single nucleotide variant.
Coding change: c.6735A>G on transcript NM_016239.4 (MANE Select); coding-DNA position 6735, A replaced by G.
Protein change: p.Glu2245=; no amino-acid change (glutamic acid 2245 retained).
Molecular consequence: synonymous variant.
Genome position (GRCh38, 1-based): chr17:18,148,539, A>G. VCF-style: chr17-18148539-A-G. GRCh37 (hg19) VCF-style: chr17-18051853-A-G.
Identifiers: ClinVar variation 515616 (VCV000515616.5), dbSNP rs1555545575, ClinGen allele CA498202593.

ClinVar aggregate classification (germline): Likely benign. Review status: criteria provided, multiple submitters, no conflicts (2 of 4 stars). 2 submissions from 2 submitters: Likely benign (2). Last evaluated 2023-12-22.

Submissions (2):

Labcorp Genetics (formerly Invitae), Labcorp
Classification: Likely benign. Last evaluated: 2023-12-22. Review status: criteria provided, single submitter. Criteria: Invitae Variant Classification Sherloc (09022015). Collection method: clinical testing. Allele origin: germline.

GeneDx
Classification: Likely benign. Last evaluated: 2018-02-26. Review status: criteria provided, single submitter. Criteria: GeneDx Variant Classification (06012015). Collection method: clinical testing. Allele origin: germline. Affected: yes.
Comment: This variant is considered likely benign or benign based on one or more of the following criteria: it is a conservative change, it occurs at a poorly conserved position in the protein, it is predicted to be benign by multiple in silico algorithms, and/or has population frequency not consistent with disease.